The following is an entry in ClinVar:

NM_000059.4(BRCA2):c.8479C>T (p.Pro2827Ser)

Gene: BRCA2 (BRCA2 DNA repair associated; plus strand). Cytogenetic location: 13q13.1.
Variant type: single nucleotide variant.
Coding change: c.8479C>T on transcript NM_000059.4 (MANE Select); coding-DNA position 8479, C replaced by T.
Protein change: p.Pro2827Ser; replaces proline 2827 with serine.
Molecular consequence: missense variant.
Genome position (GRCh38, 1-based): chr13:32,370,549, C>T. VCF-style: chr13-32370549-C-T. GRCh37 (hg19) VCF-style: chr13-32944686-C-T.
Other names: short protein forms P2827S.
Identifiers: ClinVar variation 185825 (VCV000185825.18), dbSNP rs786202484, ClinGen allele CA025662.

ClinVar aggregate classification (germline): Conflicting classifications of pathogenicity. Review status: criteria provided, conflicting classifications (1 of 4 stars). 5 submissions from 5 submitters: Uncertain significance (4); Likely benign (1). Last evaluated 2025-02-23.

Conditions:
BRCA2-related cancer predisposition. Identifiers: MedGen CN377758, MONDO:0700269.
Hereditary cancer-predisposing syndrome. Also called: Neoplastic Syndromes, Hereditary; Hereditary neoplastic syndrome; Tumor predisposition; Hereditary Cancer Syndrome. Identifiers: Orphanet 140162, MedGen C0027672, MeSH D009386, MONDO:0015356.
Hereditary breast ovarian cancer syndrome. Also called: BRCA1- and BRCA2-Associated Hereditary Breast and Ovarian Cancer; Hereditary breast and ovarian cancer syndrome; Hereditary breast and ovarian cancer syndrome (HBOC); Hereditary breast and ovarian cancer; Breast and ovarian cancer; Hereditary breast and/or ovarian cancer syndrome. Identifiers: Orphanet 145, MedGen C0677776, MeSH D061325, MONDO:0003582. Disease mechanism: loss of function.
Breast-ovarian cancer, familial, susceptibility to, 2 (BROVCA2). Also called: BRCA2 Hereditary Breast and Ovarian Cancer. Identifiers: Orphanet 145, MedGen C2675520, MONDO:0012933, OMIM 612555. Disease mechanism: loss of function.

Submissions (5):

Dasa
Classification: Uncertain significance for Breast-ovarian cancer, familial, susceptibility to, 2. Last evaluated: 2025-02-23. Review status: criteria provided, single submitter. Criteria: DASA Assertion Criteria. Collection method: clinical testing. Allele origin: germline.
Comment: NM_000059.4(BRCA2):c.8479C>T (p.Pro2827Ser) is a missense variant that results in the substitution of proline with serine. This variant is absent from population databases. The currently available literature and clinical evidence are not sufficient to establish a definitive association between this variant and the reported condition. Therefore, this variant is classified as a variant of uncertain significance.

All of Us Research Program, National Institutes of Health
Classification: Uncertain significance for BRCA2-related cancer predisposition. Last evaluated: 2024-05-09. Review status: criteria provided, single submitter. Criteria: ACMG Guidelines, 2015. Collection method: clinical testing. Allele origin: germline. Inheritance: Autosomal dominant inheritance. Observed: 1 variant allele, 1 heterozygote.
Comment: This study involves interpretation of variants in research participants for the purpose of population health screening. Participant phenotype was not available at the time of variant classification. Additional details can be found in publication PMID: 35346344, PMCID: PMC8962531

Labcorp Genetics (formerly Invitae), Labcorp
Classification: Uncertain significance for Hereditary breast ovarian cancer syndrome. Last evaluated: 2021-06-29. Review status: criteria provided, single submitter. Criteria: Invitae Variant Classification Sherloc (09022015). Collection method: clinical testing. Allele origin: germline.
Comment: In summary, the available evidence is currently insufficient to determine the role of this variant in disease. Therefore, it has been classified as a Variant of Uncertain Significance. This variant has not been reported in the literature in individuals with BRCA2-related conditions. ClinVar contains an entry for this variant (Variation ID: 185825). Advanced modeling of protein sequence and biophysical properties (such as structural, functional, and spatial information, amino acid conservation, physicochemical variation, residue mobility, and thermodynamic stability) performed at Invitae indicates that this missense variant is expected to disrupt BRCA2 protein function. This variant is not present in population databases (ExAC no frequency). This sequence change replaces proline with serine at codon 2827 of the BRCA2 protein (p.Pro2827Ser). The proline residue is highly conserved and there is a moderate physicochemical difference between proline and serine.

Ambry Genetics
Classification: Likely benign for Hereditary cancer-predisposing syndrome. Last evaluated: 2020-02-12. Review status: criteria provided, single submitter. Criteria: Ambry Variant Classification Scheme 2023. Collection method: clinical testing. Allele origin: germline.

GeneDx
Classification: Uncertain significance. Last evaluated: 2017-06-26. Review status: criteria provided, single submitter. Criteria: GeneDx Variant Classification Process June 2021. Collection method: clinical testing. Allele origin: germline. Affected: yes.
Comment: Not observed in large population cohorts (Lek et al., 2016); In silico analysis supports that this missense variant does not alter protein structure/function